The following is an entry in ClinVar:

NM_004984.4(KIF5A):c.1378C>T (p.Arg460Ter)

Gene: KIF5A (kinesin family member 5A; plus strand). Cytogenetic location: 12q13.3.
Variant type: single nucleotide variant.
Coding change: c.1378C>T on transcript NM_004984.4 (MANE Select); coding-DNA position 1378, C replaced by T.
Protein change: p.Arg460Ter; replaces arginine 460 with a stop codon.
Molecular consequence: nonsense.
Genome position (GRCh38, 1-based): chr12:57,572,076, C>T. VCF-style: chr12-57572076-C-T. GRCh37 (hg19) VCF-style: chr12-57965859-C-T.
Other names: c.1111C>T, p.Arg371Ter (NM_001354705.2); short protein forms R371*, R460*.
Identifiers: ClinVar variation 986795 (VCV000986795.22), dbSNP rs1882272161, ClinGen allele CA385505947.

ClinVar aggregate classification (germline): Pathogenic. Review status: criteria provided, multiple submitters, no conflicts (2 of 4 stars). 3 submissions from 3 submitters: Pathogenic (3). Last evaluated 2025-11-15.

Conditions:
Spastic paraplegia. Identifiers: MedGen C0037772, HP:0001258.

Submissions (3):

Labcorp Genetics (formerly Invitae), Labcorp
Classification: Pathogenic for Spastic paraplegia. Last evaluated: 2025-11-15. Review status: criteria provided, single submitter. Criteria: Invitae Variant Classification Sherloc (09022015). Collection method: clinical testing. Allele origin: germline.
Comment: This sequence change creates a premature translational stop signal (p.Arg460*) in the KIF5A gene. It is expected to result in an absent or disrupted protein product. Loss-of-function variants in KIF5A are known to be pathogenic (PMID: 26374131). This variant is not present in population databases (gnomAD no frequency). This variant has not been reported in the literature in individuals affected with KIF5A-related conditions. ClinVar contains an entry for this variant (Variation ID: 986795). For these reasons, this variant has been classified as Pathogenic.

CeGaT Center for Human Genetics Tuebingen
Classification: Pathogenic. Last evaluated: 2024-05-01. Review status: criteria provided, single submitter. Criteria: CeGaT Center For Human Genetics Tuebingen Variant Classification Criteria Version 2. Collection method: clinical testing. Allele origin: germline. Affected: yes. Observed: 1 variant allele.
Comment: KIF5A: PVS1, PM2

Institute of Medical Genetics and Applied Genomics, University Hospital Tübingen
Classification: Pathogenic. Last evaluated: 2020-10-23. Review status: criteria provided, single submitter. Criteria: ACMG Guidelines, 2015. Collection method: clinical testing. Allele origin: germline. Inheritance: Unknown mechanism. Affected: yes.

Literature cited by the submitters: PubMed 26374131 (cited by Labcorp Genetics (formerly Invitae), Labcorp).